The following is an entry in ClinVar:

ClinVar aggregate classification (germline): Uncertain significance (1 of 4 stars; one submission).

Conditions:
PLXNA1-related neurodevelopmental disorder with seizures.

gnomAD v4.1: 1 of 1,613,284 alleles (0.000062%); highest among the groups gnomAD compares: Non-Finnish European, 0.000085%; no homozygotes.

Submission:

Dasa
Classification: Uncertain significance for PLXNA1-related neurodevelopmental disorder with seizures. Last evaluated: 2025-10-31. Review status: criteria provided, single submitter. Criteria: DASA Assertion Criteria. Collection method: clinical testing. Allele origin: germline.
Comment: NM_032242.4(PLXNA1):c.5452G>A (p.Ala1818Thr) is a missense variant that results in the substitution of alanine with threonine. This variant is rare in population databases. Computational prediction algorithms are consistent with a benign effect. The currently available literature and clinical evidence are not sufficient to establish a definitive association between this variant and the reported condition. Therefore, this variant is classified as a variant of uncertain significance.

NM_032242.4(PLXNA1):c.5452G>A (p.Ala1818Thr)

Gene: PLXNA1 (plexin A1; plus strand). Cytogenetic location: 3q21.3.
Variant type: single nucleotide variant.
Coding change: c.5452G>A on transcript NM_032242.4 (MANE Select); coding-DNA position 5452, G replaced by A.
Protein change: p.Ala1818Thr; replaces alanine 1818 with threonine.
Molecular consequence: missense variant.
Genome position (GRCh38, 1-based): chr3:127,032,693, G>A. VCF-style: chr3-127032693-G-A. GRCh37 (hg19) VCF-style: chr3-126751536-G-A.
Other names: short protein forms A1818T.
Identifiers: ClinVar variation 4882217 (VCV004882217.2).
Genomic context (GRCh38, chr3:127,032,693, plus strand): 5'-CCCGGGGGCAGCCTGGACTCTGCTCATGTGCCCACCTGGCCACTCACCTGCAGGTACTAT[G>A]CAGACATCGCCAAGATGCCAGCCATCAGCGACCAGGACATGAGTGCGTATCTGGCTGAGC-3'
Protein context (NP_115618.3, residues 1808-1828): NYKSWVERYY[Ala1818Thr]DIAKMPAISD